The following is an entry in ClinVar:

ClinVar aggregate classification (germline): Uncertain significance (1 of 4 stars; one submission).

gnomAD v4.1: 2 of 1,614,024 alleles (0.00012%); highest among the groups gnomAD compares: Admixed American, 0.0017%; no homozygotes.

Submission:

Labcorp Genetics (formerly Invitae), Labcorp
Classification: Uncertain significance. Last evaluated: 2024-10-29. Review status: criteria provided, single submitter. Criteria: Invitae Variant Classification Sherloc (09022015). Collection method: clinical testing. Allele origin: germline.
Comment: This sequence change replaces valine, which is neutral and non-polar, with phenylalanine, which is neutral and non-polar, at codon 42 of the COX8A protein (p.Val42Phe). This variant is present in population databases (no rsID available, gnomAD 0.003%). This variant has not been reported in the literature in individuals affected with COX8A-related conditions. ClinVar contains an entry for this variant (Variation ID: 1993432). An algorithm developed to predict the effect of missense changes on protein structure and function (PolyPhen-2) suggests that this variant is likely to be tolerated. In summary, the available evidence is currently insufficient to determine the role of this variant in disease. Therefore, it has been classified as a Variant of Uncertain Significance.

NM_004074.3(COX8A):c.124G>T (p.Val42Phe)

Gene: COX8A (cytochrome c oxidase subunit 8A; plus strand). Cytogenetic location: 11q13.1.
Variant type: single nucleotide variant.
Coding change: c.124G>T on transcript NM_004074.3 (MANE Select); coding-DNA position 124, G replaced by T.
Protein change: p.Val42Phe; replaces valine 42 with phenylalanine.
Molecular consequence: missense variant.
Genome position (GRCh38, 1-based): chr11:63,976,234, G>T. VCF-style: chr11-63976234-G-T. GRCh37 (hg19) VCF-style: chr11-63743706-G-T.
Other names: short protein forms V42F.
Identifiers: ClinVar variation 1993432 (VCV001993432.4), dbSNP rs550927126, ClinGen allele CA381055668.